The following is an entry in ClinVar:

ClinVar aggregate classification (germline): Uncertain significance (1 of 4 stars; one submission).

Conditions:
SRD5A3-congenital disorder of glycosylation. Also called: CDG Iq; Ocular colobomas, ichthyosis, brain malformations and endocrine abnormalities; Congenital disorder of glycosylation type 1Q; SRD5A3-CDG; COLOBOMA, OCULAR, WITH ICHTHYOSIS, BRAIN MALFORMATIONS, AND ENDOCRINE ABNORMALITIES. Identifiers: Orphanet 324737, MedGen C4317224, MONDO:0012885, OMIM 612379.

Allele frequency attached by ClinVar (database versions not stated): gnomAD exomes below 0.00001 and 0.00002; ExAC 0.00001; TOPMed 0.00002; gnomAD 0.00003; ESP Exome Variant Server 0.00008.
gnomAD v4.1: 36 of 1,613,826 alleles (0.0022%); highest among the groups gnomAD compares: Non-Finnish European, 0.0028%; no homozygotes.

Submission:

Labcorp Genetics (formerly Invitae), Labcorp
Classification: Uncertain significance for SRD5A3-congenital disorder of glycosylation. Last evaluated: 2025-11-19. Review status: criteria provided, single submitter. Criteria: Invitae Variant Classification Sherloc (09022015). Collection method: clinical testing. Allele origin: germline.
Comment: This sequence change replaces glycine, which is neutral and non-polar, with serine, which is neutral and polar, at codon 88 of the SRD5A3 protein (p.Gly88Ser). The frequency data for this variant in the population databases is considered unreliable, as metrics indicate poor data quality at this position in the gnomAD database. This variant has not been reported in the literature in individuals affected with SRD5A3-related conditions. ClinVar contains an entry for this variant (Variation ID: 1417998). Invitae Evidence Modeling of protein sequence and biophysical properties (such as structural, functional, and spatial information, amino acid conservation, physicochemical variation, residue mobility, and thermodynamic stability) indicates that this missense variant is not expected to disrupt SRD5A3 protein function with a negative predictive value of 80%. In summary, the available evidence is currently insufficient to determine the role of this variant in disease. Therefore, it has been classified as a Variant of Uncertain Significance.

NM_024592.5(SRD5A3):c.262G>A (p.Gly88Ser)

Gene: SRD5A3 (steroid 5 alpha-reductase 3; plus strand). Cytogenetic location: 4q12.
Variant type: single nucleotide variant.
Coding change: c.262G>A on transcript NM_024592.5 (MANE Select); coding-DNA position 262, G replaced by A.
Protein change: p.Gly88Ser; replaces glycine 88 with serine.
Molecular consequence: missense variant.
Genome position (GRCh38, 1-based): chr4:55,359,386, G>A. VCF-style: chr4-55359386-G-A. GRCh37 (hg19) VCF-style: chr4-56225553-G-A.
Other names: short protein forms G88S.
Identifiers: ClinVar variation 1417998 (VCV001417998.8), dbSNP rs374807694, ClinGen allele CA2925251.
Genomic context (GRCh38, chr4:55,359,386, plus strand): 5'-CGCTTGTTTTCCTTTTGCAGATATTTTTCCCACTTTTATATCATCTCAGTGCTGTGGAAT[G>A]GCTTCCTGCTTTGGTGCCTTACTCAATCTCTGTTCCTGGGAGCACCTTTTCCAAGCTGGC-3'
Protein context (NP_078868.1, residues 78-98): HFYIISVLWN[Gly88Ser]FLLWCLTQSL